The following is an entry in ClinVar:

ClinVar aggregate classification (germline): Likely benign (1 of 4 stars; one submission).

Conditions:
Malignant hyperthermia, susceptibility to, 1 (MHS1). Also called: Anesthesia related hyperthermia; Malignant hyperpyrexia; Fulminating hyperpyrexia; Pharmacogenic myopathy; RYR1-Related Malignant Hyperthermia Susceptibility; Malignant hyperthermia suceptibility 1. Identifiers: Orphanet 423, MedGen C2930980, MONDO:0007783, OMIM 145600.

Submission:

All of Us Research Program, National Institutes of Health
Classification: Likely benign for Malignant hyperthermia, susceptibility to, 1. Last evaluated: 2024-02-22. Review status: criteria provided, single submitter. Criteria: ACMG Guidelines, 2015. Collection method: clinical testing. Allele origin: germline. Inheritance: Autosomal dominant inheritance. Observed: 1 variant allele, 1 heterozygote.
Comment: This study involves interpretation of variants in research participants for the purpose of population health screening. Participant phenotype was not available at the time of variant classification. Additional details can be found in publication PMID: 35346344, PMCID: PMC8962531

NM_000540.3(RYR1):c.271-8C>G

Gene: RYR1 (ryanodine receptor 1; plus strand). Cytogenetic location: 19q13.2.
Variant type: single nucleotide variant.
Coding change: c.271-8C>G on transcript NM_000540.3 (MANE Select); 8 bases into the intron before coding-DNA position 271, C replaced by G.
Molecular consequence: intron variant.
Genome position (GRCh38, 1-based): chr19:38,443,550, C>G. VCF-style: chr19-38443550-C-G. GRCh37 (hg19) VCF-style: chr19-38934190-C-G.
Other names: c.271-8C>G (NM_001042723.2).
Identifiers: ClinVar variation 3387620 (VCV003387620.1).